The following is an entry in ClinVar:

NM_000051.4(ATM):c.8096C>G (p.Pro2699Arg)

Genes: C11orf65 (chromosome 11 open reading frame 65; minus strand), ATM (ATM serine/threonine kinase; plus strand). Cytogenetic location: 11q22.3.
Variant type: single nucleotide variant.
Coding change: c.8096C>G on transcript NM_000051.4 (MANE Select); coding-DNA position 8096, C replaced by G.
Protein change: p.Pro2699Arg; replaces proline 2699 with arginine.
Molecular consequence: missense variant. On other transcripts: intron variant (2).
Genome position (GRCh38, 1-based): chr11:108,335,054, C>G. VCF-style: chr11-108335054-C-G. GRCh37 (hg19) VCF-style: chr11-108205781-C-G.
Other names: c.8096C>G, p.Pro2699Arg (NM_001351834.2); c.641-25983G>C (NM_001330368.2); c.*38+166G>C (NM_001351110.2); short protein forms P2699R.
Identifiers: ClinVar variation 246331 (VCV000246331.22), dbSNP rs879254209, ClinGen allele CA10584370.

ClinVar aggregate classification (germline): Uncertain significance. Review status: criteria provided, multiple submitters, no conflicts (2 of 4 stars). 6 submissions from 6 submitters: Uncertain significance (6). Last evaluated 2024-06-28.

Conditions:
Hereditary cancer-predisposing syndrome. Also called: Neoplastic Syndromes, Hereditary; Hereditary neoplastic syndrome; Tumor predisposition; Hereditary Cancer Syndrome. Identifiers: Orphanet 140162, MedGen C0027672, MeSH D009386, MONDO:0015356.
Ataxia-telangiectasia syndrome (AT). Also called: Ataxia telangiectasia (A-T); Cerebello-oculocutaneous telangiectasia; Immunodeficiency with ataxia telangiectasia; LOUIS-BAR SYNDROME; AT, COMPLEMENTATION GROUP C; ATAXIA-TELANGIECTASIA, FRESNO VARIANT. Identifiers: Orphanet 100, MedGen C0004135, MONDO:0008840, OMIM 208900.

Submissions (6):

Ambry Genetics
Classification: Uncertain significance for Hereditary cancer-predisposing syndrome. Last evaluated: 2024-06-28. Review status: criteria provided, single submitter. Criteria: Ambry Variant Classification Scheme 2023. Collection method: clinical testing. Allele origin: germline.
Comment: The p.P2699R variant (also known as c.8096C>G), located in coding exon 54 of the ATM gene, results from a C to G substitution at nucleotide position 8096. The proline at codon 2699 is replaced by arginine, an amino acid with dissimilar properties. In addition, this alteration is predicted to be deleterious by in silico analysis. Since supporting evidence is limited at this time, the clinical significance of this alteration remains unclear.

Women's Health and Genetics/Laboratory Corporation of America, LabCorp
Classification: Uncertain significance. Last evaluated: 2024-02-21. Review status: criteria provided, single submitter. Criteria: LabCorp Variant Classification Summary - May 2015. Collection method: clinical testing. Allele origin: germline.
Comment: Variant summary: ATM c.8096C>G (p.Pro2699Arg) results in a non-conservative amino acid change in the encoded protein sequence. Five of five in-silico tools predict a damaging effect of the variant on protein function. The variant was absent in 251272 control chromosomes (gnomAD). The available data on variant occurrences in the general population are insufficient to allow any conclusion about variant significance. To our knowledge, no occurrence of c.8096C>G in individuals affected with Breast Cancer and no experimental evidence demonstrating its impact on protein function have been reported. ClinVar contains an entry for this variant (Variation ID: 246331). Based on the evidence outlined above, the variant was classified as uncertain significance.

Labcorp Genetics (formerly Invitae), Labcorp
Classification: Uncertain significance for Ataxia-telangiectasia syndrome. Last evaluated: 2023-10-28. Review status: criteria provided, single submitter. Criteria: Invitae Variant Classification Sherloc (09022015). Collection method: clinical testing. Allele origin: germline.
Comment: This sequence change replaces proline, which is neutral and non-polar, with arginine, which is basic and polar, at codon 2699 of the ATM protein (p.Pro2699Arg). This variant is not present in population databases (gnomAD no frequency). This variant has not been reported in the literature in individuals affected with ATM-related conditions. ClinVar contains an entry for this variant (Variation ID: 246331). An algorithm developed to predict the effect of missense changes on protein structure and function (PolyPhen-2) suggests that this variant is likely to be disruptive. In summary, the available evidence is currently insufficient to determine the role of this variant in disease. Therefore, it has been classified as a Variant of Uncertain Significance.

Blueprint Genetics
Classification: Uncertain significance. Last evaluated: 2023-10-19. Review status: criteria provided, single submitter. Criteria: ACMG Guidelines, 2015. Collection method: clinical testing. Allele origin: germline.

Color Diagnostics, LLC DBA Color Health
Classification: Uncertain significance for Hereditary cancer-predisposing syndrome. Last evaluated: 2019-02-15. Review status: criteria provided, single submitter. Criteria: ACMG Guidelines, 2015. Collection method: clinical testing. Allele origin: germline.

GeneDx
Classification: Uncertain significance. Last evaluated: 2016-12-29. Review status: criteria provided, single submitter. Criteria: GeneDx Variant Classification (06012015). Collection method: clinical testing. Allele origin: germline. Affected: yes.
Comment: This variant is denoted ATM c.8096C>G at the cDNA level, p.Pro2699Arg (P2699R) at the protein level, and results in the change of a Proline to an Arginine (CCA>CGA). This variant has not, to our knowledge, been published in the literature as either a germline pathogenic or benign variant. However, it has been reported as a somatic variant in a mantle cell lymphoma (Greiner 2006). ATM Pro2699Arg was not observed in approximately 6,500 individuals of European and African American ancestry in the NHLBI Exome Sequencing Project, suggesting it is not a common benign variant in these populations. Since Proline and Arginine differ in polarity, charge, size or other properties, this is considered a non-conservative amino acid substitution. ATM Pro2699Arg occurs at a position that is conserved across species and is not located in a known functional domain. In silico analyses predict that this variant is probably damaging to protein structure and function. Based on currently available evidence, it is unclear whether ATM Pro2699Arg is a pathogenic or benign variant. We consider it to be a variant of uncertain significance.